The following is an entry in ClinVar:

ClinVar aggregate classification (germline): Uncertain significance (1 of 4 stars; one submission).

Submission:

Labcorp Genetics (formerly Invitae), Labcorp
Classification: Uncertain significance. Last evaluated: 2024-02-24. Review status: criteria provided, single submitter. Criteria: Invitae Variant Classification Sherloc (09022015). Collection method: clinical testing. Allele origin: germline.
Comment: This sequence change replaces arginine, which is basic and polar, with proline, which is neutral and non-polar, at codon 37 of the COL18A1 protein (p.Arg37Pro). This variant is not present in population databases (gnomAD no frequency). This variant has not been reported in the literature in individuals affected with COL18A1-related conditions. ClinVar contains an entry for this variant (Variation ID: 2134117). Experimental studies and prediction algorithms are not available or were not evaluated, and the functional significance of this variant is currently unknown. In summary, the available evidence is currently insufficient to determine the role of this variant in disease. Therefore, it has been classified as a Variant of Uncertain Significance.

NM_001379500.1(COL18A1):c.110G>C (p.Arg37Pro)

Gene: COL18A1 (collagen type XVIII alpha 1 chain; plus strand). Cytogenetic location: 21q22.3.
Variant type: single nucleotide variant.
Coding change: c.110G>C on transcript NM_001379500.1 (MANE Select); coding-DNA position 110, G replaced by C.
Protein change: p.Arg37Pro; replaces arginine 37 with proline.
Molecular consequence: missense variant.
Genome position (GRCh38, 1-based): chr21:45,468,245, G>C. VCF-style: chr21-45468245-G-C. GRCh37 (hg19) VCF-style: chr21-46888159-G-C.
Other names: c.650G>C, p.Arg217Pro (NM_030582.4); c.1355G>C, p.Arg452Pro (NM_130444.3); short protein forms R217P, R37P, R452P.
Identifiers: ClinVar variation 2134117 (VCV002134117.3), dbSNP rs771318359, ClinGen allele CA410511365.